The following is an entry in ClinVar:

ClinVar aggregate classification (germline): Uncertain significance (1 of 4 stars; one submission).

Conditions:
Autosomal recessive spinocerebellar ataxia 20. Identifiers: Orphanet 397709, MedGen C5190595, MONDO:0014601, OMIM 616354.

gnomAD v4.1: 4 of 1,604,914 alleles (0.00025%); highest among the groups gnomAD compares: Non-Finnish European, 0.00034%; no homozygotes.

Submission:

3billion
Classification: Uncertain significance for Autosomal recessive spinocerebellar ataxia 20. Last evaluated: 2024-11-25. Review status: criteria provided, single submitter. Criteria: ACMG Guidelines, 2015. Collection method: clinical testing. Allele origin: germline. Affected: yes.
Comment: The variant is observed at an extremely low frequency in the gnomAD v4.1.0 dataset (total allele frequency: <0.001%). Predicted Consequence/Location: Intron variant In silico tools predict the variant to alter splicing and produce an abnormal transcript [SpliceAI: 0.99 (>=0.2, moderate evidence for spliceogenicity)]. Therefore, this variant is classified as VUS according to the recommendation of ACMG/AMP guideline.

NM_153816.6(SNX14):c.2269-13A>G

Gene: SNX14 (sorting nexin 14; minus strand). Cytogenetic location: 6q14.3.
Variant type: single nucleotide variant.
Coding change: c.2269-13A>G on transcript NM_153816.6 (MANE Select); 13 bases into the intron before coding-DNA position 2269, A replaced by G.
Molecular consequence: intron variant.
Genome position (GRCh38, 1-based): chr6:85,514,642, T>C on the plus strand (A>G on the coding strand, the complement: SNX14 is on the minus strand). VCF-style: chr6-85514642-T-C. GRCh37 (hg19) VCF-style: chr6-86224360-T-C.
Other names: c.1978-13A>G (NM_001350543.2); c.2110-13A>G (NM_001350539.2, NM_020468.6); c.1981-13A>G (NM_001350542.2); c.1825-13A>G (NM_001350546.2, NM_001350545.2); c.1219-13A>G (NM_001350547.2); c.1969-13A>G (NM_001350544.2); c.1087-13A>G (NM_001350553.2); c.1114-13A>G (NM_001350549.2, NM_001350548.2, NM_001350551.2 and 2 more transcripts); and 9 more.
Identifiers: ClinVar variation 3775853 (VCV003775853.2).